The following is an entry in ClinVar:

NM_002103.5(GYS1):c.646G>T (p.Gly216Cys)

Gene: GYS1 (glycogen synthase 1; minus strand). Cytogenetic location: 19q13.33.
Variant type: single nucleotide variant.
Coding change: c.646G>T on transcript NM_002103.5 (MANE Select); coding-DNA position 646, G replaced by T.
Protein change: p.Gly216Cys; replaces glycine 216 with cysteine.
Molecular consequence: missense variant. On other transcripts: non-coding transcript variant (1).
Genome position (GRCh38, 1-based): chr19:48,985,882, C>A on the plus strand (G>T on the coding strand, the complement: GYS1 is on the minus strand). VCF-style: chr19-48985882-C-A. GRCh37 (hg19) VCF-style: chr19-49489139-C-A.
Other names: c.454G>T, p.Gly152Cys (NM_001161587.2); short protein forms G216C, G152C.
Identifiers: ClinVar variation 966878 (VCV000966878.7), dbSNP rs141601517, ClinGen allele CA9563284.

ClinVar aggregate classification (germline): Uncertain significance. Review status: criteria provided, multiple submitters, no conflicts (2 of 4 stars). 2 submissions from 2 submitters: Uncertain significance (2). Last evaluated 2023-09-29.

Conditions:
Inborn genetic diseases. Identifiers: MedGen C0950123, MeSH D030342.
Glycogen storage disease due to muscle and heart glycogen synthase deficiency. Also called: GSD 0b; MUSCLE GLYCOGEN SYNTHASE DEFICIENCY. Identifiers: Orphanet 137625, MedGen C1969054, MONDO:0012693, OMIM 611556.

Allele frequency attached by ClinVar (database versions not stated): TOPMed 0.00002; ExAC 0.00004; gnomAD exomes 0.00004.

Submissions (2):

Ambry Genetics
Classification: Uncertain significance for Inborn genetic diseases. Last evaluated: 2023-09-29. Review status: criteria provided, single submitter. Criteria: Ambry Variant Classification Scheme 2023. Collection method: clinical testing. Allele origin: germline.

Labcorp Genetics (formerly Invitae), Labcorp
Classification: Uncertain significance for Glycogen storage disease due to muscle and heart glycogen synthase deficiency. Last evaluated: 2022-08-10. Review status: criteria provided, single submitter. Criteria: Invitae Variant Classification Sherloc (09022015). Collection method: clinical testing. Allele origin: germline.
Comment: This sequence change replaces glycine, which is neutral and non-polar, with cysteine, which is neutral and slightly polar, at codon 216 of the GYS1 protein (p.Gly216Cys). This variant is present in population databases (rs141601517, gnomAD 0.007%). This variant has not been reported in the literature in individuals affected with GYS1-related conditions. ClinVar contains an entry for this variant (Variation ID: 966878). Algorithms developed to predict the effect of missense changes on protein structure and function are either unavailable or do not agree on the potential impact of this missense change (SIFT: "Deleterious"; PolyPhen-2: "Probably Damaging"; Align-GVGD: "Class C0"). In summary, the available evidence is currently insufficient to determine the role of this variant in disease. Therefore, it has been classified as a Variant of Uncertain Significance.